The following is an entry in ClinVar:

ClinVar aggregate classification (germline): Uncertain significance (1 of 4 stars; one submission).

gnomAD v4.1: 10 of 1,614,138 alleles (0.00062%); highest among the groups gnomAD compares: African/African-American, 0.013%; no homozygotes.

Submission:

GeneDx
Classification: Uncertain significance. Last evaluated: 2025-05-22. Review status: criteria provided, single submitter. Criteria: GeneDx Variant Classification Process June 2021. Collection method: clinical testing. Allele origin: germline. Affected: yes.
Comment: Not observed at significant frequency in large population cohorts (gnomAD); In silico analysis supports that this missense variant has a deleterious effect on protein structure/function; Has not been previously published as pathogenic or benign to our knowledge

NM_016341.4(PLCE1):c.2120G>C (p.Gly707Ala)

Gene: PLCE1 (phospholipase C epsilon 1; plus strand). Cytogenetic location: 10q23.33.
Variant type: single nucleotide variant.
Coding change: c.2120G>C on transcript NM_016341.4 (MANE Select); coding-DNA position 2120, G replaced by C.
Protein change: p.Gly707Ala; replaces glycine 707 with alanine.
Molecular consequence: missense variant.
Genome position (GRCh38, 1-based): chr10:94,234,218, G>C. VCF-style: chr10-94234218-G-C. GRCh37 (hg19) VCF-style: chr10-95993975-G-C.
Other names: c.1196G>C, p.Gly399Ala (NM_001165979.2); c.2120G>C, p.Gly707Ala (NM_001288989.2); short protein forms G399A, G707A.
Identifiers: ClinVar variation 4531087 (VCV004531087.1).
Genomic context (GRCh38, chr10:94,234,218, plus strand): 5'-ACAGAAAGGTGGTGACACGTGCCCTGCACATCCCTGGCTGTAAGGTGGTTCCATTCTGTG[G>C]GGTGTTTCTGAAGGAGCTCTGTGAAGTGCTTGACGGCGCCTCCGGTCTCATGAAGCTTTG-3'
Protein context (NP_057425.3, residues 697-717): IPGCKVVPFC[Gly707Ala]VFLKELCEVL